The following is an entry in ClinVar:

NM_001267550.2(TTN):c.105311T>C (p.Met35104Thr)

Genes: TTN (titin; minus strand), TTN-AS1 (TTN antisense RNA 1; plus strand). Cytogenetic location: 2q31.2.
Variant type: single nucleotide variant.
Coding change: c.105311T>C on transcript NM_001267550.2 (MANE Select); coding-DNA position 105311, T replaced by C.
Protein change: p.Met35104Thr; replaces methionine 35104 with threonine.
Molecular consequence: missense variant.
Genome position (GRCh38, 1-based): chr2:178,531,304, A>G on the plus strand (T>C on the coding strand, the complement: TTN is on the minus strand). VCF-style: chr2-178531304-A-G. GRCh37 (hg19) VCF-style: chr2-179396031-A-G.
Other names: c.100388T>C, p.Met33463Thr (NM_001256850.1); c.78116T>C, p.Met26039Thr (NM_003319.4); c.97607T>C, p.Met32536Thr (NM_133378.4); c.78491T>C, p.Met26164Thr (NM_133432.3); c.78692T>C, p.Met26231Thr (NM_133437.4); short protein forms M26164T, M33463T, M35104T, M32536T, M26231T, M26039T.
Identifiers: ClinVar variation 1510600 (VCV001510600.8), dbSNP rs373073929, ClinGen allele CA1985280.

ClinVar aggregate classification (germline): Uncertain significance (1 of 4 stars; one submission).

Conditions:
Dilated cardiomyopathy 1G (CMD1G). Identifiers: Orphanet 154, MedGen C1858763, MONDO:0011400, OMIM 604145.
Autosomal recessive limb-girdle muscular dystrophy type 2J (LGMDR10). Also called: Limb-girdle muscular dystrophy, type 2J; MUSCULAR DYSTROPHY, LIMB-GIRDLE, AUTOSOMAL RECESSIVE 10. Identifiers: Orphanet 140922, MedGen C1837342, MONDO:0012127, OMIM 608807.

Allele frequency attached by ClinVar (database versions not stated): gnomAD exomes below 0.00001; TOPMed below 0.00001; ExAC 0.00001; gnomAD 0.00001; ESP Exome Variant Server 0.00008.
gnomAD v4.1: 2 of 1,613,772 alleles (0.00012%); highest among the groups gnomAD compares: Admixed American, 0.0017%; no homozygotes.

Submission:

Labcorp Genetics (formerly Invitae), Labcorp
Classification: Uncertain significance for Dilated cardiomyopathy 1G; Autosomal recessive limb-girdle muscular dystrophy type 2J. Last evaluated: 2024-11-05. Review status: criteria provided, single submitter. Criteria: Invitae Variant Classification Sherloc (09022015). Collection method: clinical testing. Allele origin: germline.
Comment: This sequence change replaces methionine, which is neutral and non-polar, with threonine, which is neutral and polar, at codon 35104 of the TTN protein (p.Met35104Thr). This variant is present in population databases (rs373073929, gnomAD 0.007%). This variant has not been reported in the literature in individuals affected with TTN-related conditions. ClinVar contains an entry for this variant (Variation ID: 1510600). Experimental studies and prediction algorithms are not available or were not evaluated, and the functional significance of this variant is currently unknown. This variant is located in the M band of TTN (PMID: 25589632). Non-truncating variants in this region may be relevant for neuromuscular disorders, but have not been definitively shown to cause cardiomyopathy (PMID: 23975875). In summary, the available evidence is currently insufficient to determine the role of this variant in disease. Therefore, it has been classified as a Variant of Uncertain Significance.

Literature cited by the submitters: PubMed 25589632; PubMed 23975875.